The following is an entry in ClinVar:

NM_015160.3(PMPCA):c.144A>G (p.Leu48=)

Gene: PMPCA (peptidase, mitochondrial processing subunit alpha; plus strand). Cytogenetic location: 9q34.3.
Variant type: single nucleotide variant.
Coding change: c.144A>G on transcript NM_015160.3 (MANE Select); coding-DNA position 144, A replaced by G.
Protein change: p.Leu48=; no amino-acid change (leucine 48 retained).
Molecular consequence: synonymous variant. On other transcripts: 5 prime UTR variant (2).
Genome position (GRCh38, 1-based): chr9:136,412,069, A>G. VCF-style: chr9-136412069-A-G. GRCh37 (hg19) VCF-style: chr9-139306521-A-G.
Other names: c.-155A>G (NM_001282944.2, NM_001282946.2).
Identifiers: ClinVar variation 711028 (VCV000711028.11), dbSNP rs141168279, ClinGen allele CA5335864.

ClinVar aggregate classification (germline): Likely benign. Review status: criteria provided, multiple submitters, no conflicts (2 of 4 stars). 4 submissions from 4 submitters: Likely benign (3). 1 of the submissions does not count toward it. Last evaluated 2026-04-01.

Conditions:
PMPCA-related disorder. Also called: PMPCA-related condition.

Allele frequency attached by ClinVar (database versions not stated): gnomAD exomes 0.00005 and 0.00012; ExAC 0.00012; ESP Exome Variant Server 0.00031; TOPMed 0.00059; gnomAD 0.00064; 1000 Genomes Project 30x 0.00109; 1000 Genomes Project 0.00120.
gnomAD v4.1: 177 of 1,613,174 alleles (0.011%); highest among the groups gnomAD compares: African/African-American, 0.21%; 1 homozygote.

Submissions (4):

CeGaT Center for Human Genetics Tuebingen
Classification: Likely benign. Last evaluated: 2026-04-01. Review status: criteria provided, single submitter. Criteria: CeGaT Center For Human Genetics Tuebingen Variant Classification Criteria Version 2. Collection method: clinical testing. Allele origin: germline. Affected: yes. Observed: 1 variant allele.
Comment: PMPCA: BP4, BP7

Labcorp Genetics (formerly Invitae), Labcorp
Classification: Likely benign. Last evaluated: 2026-01-15. Review status: criteria provided, single submitter. Criteria: Invitae Variant Classification Sherloc (09022015). Collection method: clinical testing. Allele origin: germline.

Breakthrough Genomics
Classification: Likely benign. Review status: criteria provided, single submitter. Criteria: ACMG Guidelines, 2015. Collection method: not provided. Allele origin: germline. Inheritance: Autosomal recessive inheritance. Affected: yes.

PreventionGenetics, part of Exact Sciences
Classification: Likely benign for PMPCA-related condition. Last evaluated: 2020-01-13. Review status: no assertion criteria provided. Collection method: clinical testing. Allele origin: germline. Not counted in ClinVar's aggregate classification.
Comment: This variant is classified as likely benign based on ACMG/AMP sequence variant interpretation guidelines (Richards et al. 2015 PMID: 25741868, with internal and published modifications).